The following is an entry in ClinVar:

ClinVar aggregate classification (germline): Uncertain significance (1 of 4 stars; one submission).

Conditions:
Hereditary cancer-predisposing syndrome. Also called: Neoplastic Syndromes, Hereditary; Tumor predisposition; Hereditary Cancer Syndrome; Hereditary neoplastic syndrome. Identifiers: Orphanet 140162, MedGen C0027672, MeSH D009386, MONDO:0015356.

Submission:

Ambry Genetics
Classification: Uncertain significance for Hereditary cancer-predisposing syndrome. Last evaluated: 2026-08-21. Review status: criteria provided, single submitter. Criteria: Ambry Variant Classification Scheme 2023. Collection method: clinical testing. Allele origin: germline.
Comment: The p.L822R variant (also known as c.2465T>G), located in coding exon 4 of the MSH6 gene, results from a T to G substitution at nucleotide position 2465. The leucine at codon 822 is replaced by arginine, an amino acid with dissimilar properties. This amino acid position is conserved. In addition, this alteration is predicted to be deleterious by in silico analysis. Based on the available evidence, the clinical significance of this variant remains unclear.

NM_000179.3(MSH6):c.2465T>G (p.Leu822Arg)

Gene: MSH6 (mutS homolog 6; plus strand). Cytogenetic location: 2p16.3.
Variant type: single nucleotide variant.
Coding change: c.2465T>G on transcript NM_000179.3 (MANE Select); coding-DNA position 2465, T replaced by G.
Protein change: p.Leu822Arg; replaces leucine 822 with arginine.
Molecular consequence: missense variant. On other transcripts: non-coding transcript variant (5), intron variant (3).
Genome position (GRCh38, 1-based): chr2:47,800,448, T>G. VCF-style: chr2-47800448-T-G. GRCh37 (hg19) VCF-style: chr2-48027587-T-G.
Other names: c.1559T>G, p.Leu520Arg (NM_001406812.1, NM_001406814.1, NM_001406815.1 and 6 more transcripts); c.2471T>G, p.Leu824Arg (NM_001406813.1); c.2168T>G, p.Leu723Arg (NM_001406818.1, NM_001406819.1, NM_001406820.1 and 10 more transcripts); c.2075T>G, p.Leu692Arg (NM_001281492.2); c.2561T>G, p.Leu854Arg (NM_001406795.1, NM_001406802.1); c.2465T>G, p.Leu822Arg (NM_001406796.1, NM_001406798.1, NM_001406800.1 and 2 more transcripts); c.1940T>G, p.Leu647Arg (NM_001406799.1, NM_001406806.1, NM_001406807.1); c.2387T>G, p.Leu796Arg (NM_001406804.1); and 4 more; short protein forms L520R, L647R, L692R, L723R, L766R, L796R, L822R, L824R.
Identifiers: ClinVar variation 3230532 (VCV003230532.2), dbSNP rs2104408194, ClinGen allele CA346754100.